The following is an entry in ClinVar:

NM_000412.5(HRG):c.1325G>A (p.Gly442Asp)

Gene: HRG (histidine rich glycoprotein; plus strand). Cytogenetic location: 3q27.3.
Variant type: single nucleotide variant.
Coding change: c.1325G>A on transcript NM_000412.5 (MANE Select); coding-DNA position 1325, G replaced by A.
Protein change: p.Gly442Asp; replaces glycine 442 with aspartic acid.
Molecular consequence: missense variant.
Genome position (GRCh38, 1-based): chr3:186,677,630, G>A. VCF-style: chr3-186677630-G-A. GRCh37 (hg19) VCF-style: chr3-186395419-G-A.
Other names: short protein forms G442D.
Identifiers: ClinVar variation 2691305 (VCV002691305.1), dbSNP rs540318463, ClinGen allele CA2745919.

ClinVar aggregate classification (germline): Uncertain significance (1 of 4 stars; one submission).

Allele frequency attached by ClinVar (database versions not stated): ExAC 0.00001; gnomAD exomes 0.00002; gnomAD 0.00004; 1000 Genomes Project 30x 0.00016; TOPMed 0.00018; 1000 Genomes Project 0.00020.

Submission:

Women's Health and Genetics/Laboratory Corporation of America, LabCorp
Classification: Uncertain significance. Last evaluated: 2023-12-18. Review status: criteria provided, single submitter. Criteria: LabCorp Variant Classification Summary - May 2015. Collection method: clinical testing. Allele origin: germline.
Comment: Variant summary: HRG c.1325G>A (p.Gly442Asp) results in a non-conservative amino acid change in the encoded protein sequence. Three of five in-silico tools predict a damaging effect of the variant on protein function. The variant allele was found at a frequency of 2.4e-05 in 250966 control chromosomes. The available data on variant occurrences in the general population are insufficient to allow any conclusion about variant significance. To our knowledge, no occurrence of c.1325G>A in individuals affected with Hereditary Thrombophilia Due To Congenital Histidine-Rich (poly-L) Glycoprotein Deficiency and no experimental evidence demonstrating its impact on protein function have been reported. No submitters have cited clinical-significance assessments for this variant to ClinVar after 2014. Based on the evidence outlined above, the variant was classified as uncertain significance.